The following is an entry in ClinVar:

NM_005591.4(MRE11):c.1046G>A (p.Arg349Gln)

Gene: MRE11 (MRE11 double strand break repair nuclease; minus strand). Cytogenetic location: 11q21.
Variant type: single nucleotide variant.
Coding change: c.1046G>A on transcript NM_005591.4 (MANE Select); coding-DNA position 1046, G replaced by A.
Protein change: p.Arg349Gln; replaces arginine 349 with glutamine.
Molecular consequence: missense variant.
Genome position (GRCh38, 1-based): chr11:94,467,865, C>T on the plus strand (G>A on the coding strand, the complement: MRE11 is on the minus strand). VCF-style: chr11-94467865-C-T. GRCh37 (hg19) VCF-style: chr11-94201031-C-T.
Other names: c.1046G>A, p.Arg349Gln (NM_001330347.2, NM_005590.4); short protein forms R349Q.
Identifiers: ClinVar variation 220877 (VCV000220877.18), dbSNP rs864622683, ClinGen allele CA350055.
Genomic context (GRCh38, chr11:94,467,865, plus strand): 5'-GGACTTACTCGCAGTCGTACAAGAGGCTTCTCTGGCTGGTGAGAATTACCCAGACGTTCC[C>T]GTTCAGCATTTTCAAGCATTTCTTCAATCTCAAAATTTTTAAAAAGATTAAAAAACAACG-3'
Protein context (NP_005582.1, residues 339-359): KIEEMLENAE[Arg349Gln]ERLGNSHQPE

ClinVar aggregate classification (germline): Uncertain significance. Review status: criteria provided, multiple submitters, no conflicts (2 of 4 stars). 5 submissions from 5 submitters: Uncertain significance (5). Last evaluated 2024-11-22.

Conditions:
Hereditary cancer-predisposing syndrome. Also called: Tumor predisposition; Neoplastic Syndromes, Hereditary; Hereditary Cancer Syndrome; Hereditary neoplastic syndrome. Identifiers: Orphanet 140162, MedGen C0027672, MeSH D009386, MONDO:0015356.
Ataxia-telangiectasia-like disorder (ATLD). Identifiers: MedGen C1858391, MONDO:0011457.
Ataxia-telangiectasia-like disorder 1 (ATLD1). Identifiers: Orphanet 251347, MedGen C4012790, MONDO:0024557, OMIM 604391.

Allele frequency attached by ClinVar (database versions not stated): TOPMed below 0.00001; gnomAD 0.00001; gnomAD exomes 0.00001.
gnomAD v4.1: 16 of 1,613,506 alleles (0.00099%); highest among the groups gnomAD compares: South Asian, 0.0055%; 1 homozygote.

Submissions (5):

Blueprint Genetics
Classification: Uncertain significance. Last evaluated: 2024-11-22. Review status: criteria provided, single submitter. Criteria: ACMG Guidelines, 2015. Collection method: clinical testing. Allele origin: germline.

Labcorp Genetics (formerly Invitae), Labcorp
Classification: Uncertain significance for Ataxia-telangiectasia-like disorder. Last evaluated: 2024-09-04. Review status: criteria provided, single submitter. Criteria: Invitae Variant Classification Sherloc (09022015). Collection method: clinical testing. Allele origin: germline.
Comment: This sequence change replaces arginine, which is basic and polar, with glutamine, which is neutral and polar, at codon 349 of the MRE11 protein (p.Arg349Gln). This variant is present in population databases (no rsID available, gnomAD 0.003%). This variant has not been reported in the literature in individuals affected with MRE11-related conditions. ClinVar contains an entry for this variant (Variation ID: 220877). An algorithm developed to predict the effect of missense changes on protein structure and function (PolyPhen-2) suggests that this variant is likely to be disruptive. In summary, the available evidence is currently insufficient to determine the role of this variant in disease. Therefore, it has been classified as a Variant of Uncertain Significance.

Baylor Genetics
Classification: Uncertain significance for Ataxia-telangiectasia-like disorder 1. Last evaluated: 2024-01-22. Review status: criteria provided, single submitter. Criteria: ACMG Guidelines, 2015. Collection method: clinical testing. Allele origin: unknown.

Ambry Genetics
Classification: Uncertain significance for Hereditary cancer-predisposing syndrome. Last evaluated: 2022-12-23. Review status: criteria provided, single submitter. Criteria: Ambry Variant Classification Scheme 2023. Collection method: clinical testing. Allele origin: germline.
Comment: The p.R349Q variant (also known as c.1046G>A), located in coding exon 9 of the MRE11A gene, results from a G to A substitution at nucleotide position 1046. The arginine at codon 349 is replaced by glutamine, an amino acid with highly similar properties. This amino acid position is highly conserved in available vertebrate species. In addition, the in silico prediction for this alteration is inconclusive. Since supporting evidence is limited at this time, the clinical significance of this alteration remains unclear.

Women's Health and Genetics/Laboratory Corporation of America, LabCorp
Classification: Uncertain significance. Last evaluated: 2019-03-21. Review status: criteria provided, single submitter. Criteria: LabCorp Variant Classification Summary - May 2015. Collection method: clinical testing. Allele origin: germline.
Comment: Variant summary: MRE11 c.1046G>A (p.Arg349Gln) results in a conservative amino acid change located in the Mre11, DNA-binding of the encoded protein sequence. Four of five in-silico tools predict a benign effect of the variant on protein function. The variant allele was found at a frequency of 4.1e-06 in 246196 control chromosomes (gnomAD). The available data on variant occurrences in the general population are insufficient to allow any conclusion about variant significance. To our knowledge, no occurrence of c.1046G>A in individuals affected with Hereditary Breast and Ovarian Cancer and no experimental evidence demonstrating its impact on protein function have been reported. Two clinical diagnostic laboratories have submitted clinical-significance assessments for this variant to ClinVar after 2014 without evidence for independent evaluation. All laboratories classified the variant as uncertain significance. Based on the evidence outlined above, the variant was classified as uncertain significance.